The following is an entry in ClinVar:

ClinVar aggregate classification (germline): Conflicting classifications of pathogenicity. Review status: criteria provided, conflicting classifications (1 of 4 stars). 4 submissions from 4 submitters: Uncertain significance (1); Likely benign (2). 1 of the submissions does not count toward it. Last evaluated 2025-12-01.

Conditions:
Inborn genetic diseases. Identifiers: MedGen C0950123, MeSH D030342.
MECOM-related disorder. Also called: MECOM-related condition.

Allele frequency attached by ClinVar (database versions not stated): gnomAD 0.00009.
gnomAD v4.1: 176 of 1,614,154 alleles (0.011%); highest among the groups gnomAD compares: Middle Eastern, 0.21%; 3 homozygotes.

Submissions (4):

Labcorp Genetics (formerly Invitae), Labcorp
Classification: Likely benign. Last evaluated: 2025-12-01. Review status: criteria provided, single submitter. Criteria: Invitae Variant Classification Sherloc (09022015). Collection method: clinical testing. Allele origin: germline.

Ambry Genetics
Classification: Uncertain significance for Inborn genetic diseases. Last evaluated: 2024-11-22. Review status: criteria provided, single submitter. Criteria: Ambry Variant Classification Scheme 2023. Collection method: clinical testing. Allele origin: germline.
Comment: The p.V551L variant (also known as c.1651G>C), located in coding exon 8 of the MECOM gene, results from a G to C substitution at nucleotide position 1651. The valine at codon 551 is replaced by leucine, an amino acid with highly similar properties. This amino acid position is conserved. In addition, this alteration is predicted to be tolerated by in silico analysis. Based on the available evidence, the clinical significance of this variant remains unclear.

Blueprint Genetics
Classification: Likely benign. Last evaluated: 2024-10-30. Review status: criteria provided, single submitter. Criteria: ACMG Guidelines, 2015. Collection method: clinical testing. Allele origin: germline.

PreventionGenetics, part of Exact Sciences
Classification: Likely benign for MECOM-related condition. Last evaluated: 2024-06-29. Review status: no assertion criteria provided. Collection method: clinical testing. Allele origin: germline. Not counted in ClinVar's aggregate classification.
Comment: This variant is classified as likely benign based on ACMG/AMP sequence variant interpretation guidelines (Richards et al. 2015 PMID: 25741868, with internal and published modifications).

NM_004991.4(MECOM):c.1651G>C (p.Val551Leu)

Gene: MECOM (MDS1 and EVI1 complex locus; minus strand). Cytogenetic location: 3q26.2.
Variant type: single nucleotide variant.
Coding change: c.1651G>C on transcript NM_004991.4 (MANE Select); coding-DNA position 1651, G replaced by C.
Protein change: p.Val551Leu; replaces valine 551 with leucine.
Molecular consequence: missense variant. On other transcripts: intron variant (2).
Genome position (GRCh38, 1-based): chr3:169,116,221, C>G on the plus strand (G>C on the coding strand, the complement: MECOM is on the minus strand). VCF-style: chr3-169116221-C-G. GRCh37 (hg19) VCF-style: chr3-168834009-C-G.
Other names: c.1282G>C, p.Val428Leu (NM_001105077.4); c.1087G>C, p.Val363Leu (NM_001105078.4, NM_001164000.2, NM_001205194.2 and 4 more transcripts); c.1090G>C, p.Val364Leu (NM_001163999.2, NM_001366467.2, NM_001366468.2 and 1 more transcripts); c.1651G>C, p.Val551Leu (NM_001366466.2); c.1133-454G>C (NM_001366473.2); c.569-454G>C (NM_001366474.2); c.1087G>C (NM_001105078.3); c.1651G>C (NM_004991.3); short protein forms V364L, V428L, V551L, V363L.
Identifiers: ClinVar variation 2154054 (VCV002154054.7), dbSNP rs780293564, ClinGen allele CA2696307.